The following is an entry in ClinVar:

ClinVar aggregate classification (germline): Uncertain significance (1 of 4 stars; one submission).

gnomAD v4.1: 1 of 1,614,170 alleles (0.000062%); highest among the groups gnomAD compares: Non-Finnish European, 0.000085%; no homozygotes.

Submission:

GeneDx
Classification: Uncertain significance. Last evaluated: 2021-03-30. Review status: criteria provided, single submitter. Criteria: GeneDx Variant Classification Process June 2021. Collection method: clinical testing. Allele origin: germline. Affected: yes.
Comment: Not observed in large population cohorts (Lek et al., 2016); In silico analysis supports that this missense variant does not alter protein structure/function; Has not been previously published as pathogenic or benign to our knowledge

NM_015001.3(SPEN):c.2288G>A (p.Ser763Asn)

Gene: SPEN (spen family transcriptional repressor; plus strand). Cytogenetic location: 1p36.13.
Variant type: single nucleotide variant.
Coding change: c.2288G>A on transcript NM_015001.3 (MANE Select); coding-DNA position 2288, G replaced by A.
Protein change: p.Ser763Asn; replaces serine 763 with asparagine.
Molecular consequence: missense variant.
Genome position (GRCh38, 1-based): chr1:15,928,528, G>A. VCF-style: chr1-15928528-G-A. GRCh37 (hg19) VCF-style: chr1-16255023-G-A.
Other names: short protein forms S763N.
Identifiers: ClinVar variation 1320782 (VCV001320782.2), dbSNP rs2148737987, ClinGen allele CA338599398.
Genomic context (GRCh38, chr1:15,928,528, plus strand): 5'-AGGCAGAGAGGTTGCCGAGTGATTCTGAGAGGAGGCTTTACAGCCGATCCTCAGACCGGA[G>A]TGGAAGCTGTAGCTCACTCTCCCCTCCAAGATATGAGAAACTGGACAAGTCTCGTTTGGA-3'
Protein context (NP_055816.2, residues 753-773): RRLYSRSSDR[Ser763Asn]GSCSSLSPPR